The following is an entry in ClinVar:

NM_015057.5(MYCBP2):c.12077C>A (p.Ser4026Tyr)

Gene: MYCBP2 (MYC binding protein 2; minus strand). Cytogenetic location: 13q22.3.
Variant type: single nucleotide variant.
Coding change: c.12077C>A on transcript NM_015057.5 (MANE Select); coding-DNA position 12077, C replaced by A.
Protein change: p.Ser4026Tyr; replaces serine 4026 with tyrosine.
Molecular consequence: missense variant.
Genome position (GRCh38, 1-based): chr13:77,068,659, G>T on the plus strand (C>A on the coding strand, the complement: MYCBP2 is on the minus strand). VCF-style: chr13-77068659-G-T. GRCh37 (hg19) VCF-style: chr13-77642794-G-T.
Other names: short protein forms S4026Y.
Identifiers: ClinVar variation 5025040 (VCV005025040.1).

ClinVar aggregate classification (germline): Uncertain significance (1 of 4 stars; one submission).

Conditions:
Inborn genetic diseases. Identifiers: MedGen C0950123, MeSH D030342.

gnomAD v4.1: 34 of 1,614,094 alleles (0.0021%); highest among the groups gnomAD compares: Non-Finnish European, 0.0027%; no homozygotes.

Submission:

Ambry Genetics
Classification: Uncertain significance for Inborn genetic diseases. Last evaluated: 2026-08-23. Review status: criteria provided, single submitter. Criteria: Ambry Variant Classification Scheme 2023. Collection method: clinical testing. Allele origin: germline.
Comment: The c.12077C>A (p.S4026Y) alteration is located in exon 70 (coding exon 70) of the MYCBP2 gene. This alteration results from a C to A substitution at nucleotide position 12077, causing the serine (S) at amino acid position 4026 to be replaced by a tyrosine (Y). Based on data from gnomAD, the A allele has an overall frequency of 0.003% (1/31398) total alleles studied. The highest observed frequency was 0.012% (1/8708) of African alleles. Based on insufficient or conflicting evidence, the clinical significance of this alteration remains unclear.